The following is an entry in ClinVar:

ClinVar aggregate classification (germline): Pathogenic. Review status: criteria provided, multiple submitters, no conflicts (2 of 4 stars). 2 submissions from 2 submitters: Pathogenic (2). Last evaluated 2024-03-26.

Conditions:
Exostoses, multiple, type 1 (EXT1). Also called: EXOSTOSES, MULTIPLE, TYPE I; Hereditary Multiple Osteochondromatosis, Type I. Identifiers: MedGen CN263289, MONDO:0007585, OMIM 133700.
Chondrosarcoma. Also called: Chondrosarcoma, somatic. Identifiers: Orphanet 55880, MedGen C0008479, MONDO:0008977, OMIM 215300, HP:0006765.

Submissions (2):

Genomic Medicine Center of Excellence, King Faisal Specialist Hospital and Research Centre
Classification: Pathogenic for Exostoses, multiple, type 1. Last evaluated: 2024-03-26. Review status: criteria provided, single submitter. Criteria: ACMG Guidelines, 2015. Collection method: clinical testing. Allele origin: germline.

Centre for Mendelian Genomics, University Medical Centre Ljubljana
Classification: Pathogenic for Chondrosarcoma. Last evaluated: 2020-03-18. Review status: criteria provided, single submitter. Criteria: ACMG Guidelines, 2015. Collection method: clinical testing. Allele origin: unknown. Affected: yes.
Comment: This variant was classified as: Pathogenic. The following ACMG criteria were applied in classifying this variant: PVS1,PM2,PP4.

NM_000127.3(EXT1):c.2077del (p.Ala693fs)

Gene: EXT1 (exostosin glycosyltransferase 1; minus strand). Cytogenetic location: 8q24.11.
Variant type: Deletion.
Coding change: c.2077del on transcript NM_000127.3 (MANE Select); coding-DNA position 2077, one base deleted (G; older notation c.2077delG).
Protein change: p.Ala693fs; shifts the reading frame from alanine 693.
Molecular consequence: frameshift variant.
Genome position (GRCh38, 1-based): chr8:117,799,876, C deleted on the plus strand (G on the coding strand, the reverse complement: EXT1 is on the minus strand); the first of 3 consecutive C bases (chr8:117,799,876-117,799,878); deleting any one gives the same sequence. VCF-style (leftmost placement, unchanged base first): chr8-117799875-GC-G. GRCh37 (hg19) VCF-style: chr8-118812114-GC-G.
Other names: short protein forms A693fs.
Identifiers: ClinVar variation 931284 (VCV000931284.4), dbSNP rs1823138986, ClinGen allele CA1139660712.
Genomic context (GRCh38, chr8:117,799,875, plus strand): 5'-CCAAACCAGCTGGCAAACGTATTCATGCAGCTCTGTCGCTGGGCAAAGTGGTCAGGGTCA[GC>G]CCAACGGGAAGCCCGAGAAGTCTAGGGAGAAGGAGAGAAACAAGGATAATGATGAGAGAA-3'